The following is an entry in ClinVar:

ClinVar aggregate classification (germline): Likely benign. Review status: criteria provided, multiple submitters, no conflicts (2 of 4 stars). 3 submissions from 3 submitters: Likely benign (3). Last evaluated 2025-12-25.

Conditions:
SLC26A1-related disorder. Also called: SLC26A1-related condition.

Allele frequency attached by ClinVar (database versions not stated): TOPMed 0.00004; ESP Exome Variant Server 0.00008; gnomAD 0.00033; ExAC 0.00084; 1000 Genomes Project 0.00200; 1000 Genomes Project 30x 0.00219.
gnomAD v4.1: 580 of 1,606,290 alleles (0.036%); highest among the groups gnomAD compares: South Asian, 0.58%; 7 homozygotes.

Submissions (3):

Labcorp Genetics (formerly Invitae), Labcorp
Classification: Likely benign. Last evaluated: 2025-12-25. Review status: criteria provided, single submitter. Criteria: Invitae Variant Classification Sherloc (09022015). Collection method: clinical testing. Allele origin: germline.

PreventionGenetics, part of Exact Sciences
Classification: Likely benign for SLC26A1-related condition. Last evaluated: 2025-09-25. Review status: criteria provided, single submitter. Criteria: ACMG Guidelines, 2015. Collection method: clinical testing. Allele origin: germline.
Comment: This variant is classified as likely benign based on ACMG/AMP sequence variant interpretation guidelines (Richards et al. 2015 PMID: 25741868, with internal and published modifications).

CeGaT Center for Human Genetics Tuebingen
Classification: Likely benign. Last evaluated: 2022-09-01. Review status: criteria provided, single submitter. Criteria: CeGaT Center For Human Genetics Tuebingen Variant Classification Criteria Version 2. Collection method: clinical testing. Allele origin: germline. Affected: yes. Observed: 1 variant allele.
Comment: SLC26A1: BS2

NM_022042.4(SLC26A1):c.172C>T (p.Arg58Cys)

Genes: IDUA (alpha-L-iduronidase; plus strand), SLC26A1 (solute carrier family 26 member 1; minus strand). Cytogenetic location: 4p16.3.
Variant type: single nucleotide variant.
Coding change: c.172C>T on transcript NM_022042.4 (MANE Select); coding-DNA position 172, C replaced by T.
Protein change: p.Arg58Cys; replaces arginine 58 with cysteine.
Molecular consequence: missense variant. On other transcripts: intron variant (1).
Genome position (GRCh38, 1-based): chr4:991,532, G>A on the plus strand (C>T on the coding strand, the complement: SLC26A1 is on the minus strand). VCF-style: chr4-991532-G-A. GRCh37 (hg19) VCF-style: chr4-985320-G-A.
Other names: c.172C>T, p.Arg58Cys (NM_134425.4, NM_213613.4); c.299+3583G>A (NM_000203.5); c.172C>T (NM_022042.3); short protein forms R58C.
Identifiers: ClinVar variation 2654539 (VCV002654539.28), dbSNP rs374437968, ClinGen allele CA2801753.